The following is an entry in ClinVar:

ClinVar aggregate classification (germline): Uncertain significance. Review status: criteria provided, multiple submitters, no conflicts (2 of 4 stars). 3 submissions from 3 submitters: Uncertain significance (3). Last evaluated 2024-11-18.

Conditions:
Pyridoxine-dependent epilepsy (EPEO4). Also called: Pyridoxine-Dependent Epilepsy - ALDH7A1; PYRIDOXINE DEPENDENCY WITH SEIZURES; EPILEPSY, EARLY-ONSET, 4, VITAMIN B6-DEPENDENT; Pyridoxine-Dependent Seizures. Identifiers: Orphanet 3006, MedGen C1849508, MONDO:0009945, OMIM 266100. Disease mechanism: loss of function.

Allele frequency attached by ClinVar (database versions not stated): gnomAD exomes below 0.00001; TOPMed 0.00001.

Submissions (3):

Labcorp Genetics (formerly Invitae), Labcorp
Classification: Uncertain significance for Pyridoxine-dependent epilepsy. Last evaluated: 2024-11-18. Review status: criteria provided, single submitter. Criteria: Invitae Variant Classification Sherloc (09022015). Collection method: clinical testing. Allele origin: germline.
Comment: This sequence change replaces alanine, which is neutral and non-polar, with threonine, which is neutral and polar, at codon 206 of the ALDH7A1 protein (p.Ala206Thr). This variant is not present in population databases (gnomAD no frequency). This variant has not been reported in the literature in individuals affected with ALDH7A1-related conditions. ClinVar contains an entry for this variant (Variation ID: 1310934). Invitae Evidence Modeling of protein sequence and biophysical properties (such as structural, functional, and spatial information, amino acid conservation, physicochemical variation, residue mobility, and thermodynamic stability) indicates that this missense variant is expected to disrupt ALDH7A1 protein function with a positive predictive value of 80%. In summary, the available evidence is currently insufficient to determine the role of this variant in disease. Therefore, it has been classified as a Variant of Uncertain Significance.

Genome-Nilou Lab
Classification: Uncertain significance for Pyridoxine-dependent epilepsy. Last evaluated: 2023-04-11. Review status: criteria provided, single submitter. Criteria: ACMG Guidelines, 2015. Collection method: clinical testing. Allele origin: germline. Affected: no.

GeneDx
Classification: Uncertain significance. Last evaluated: 2019-12-06. Review status: criteria provided, single submitter. Criteria: GeneDx Variant Classification Process June 2021. Collection method: clinical testing. Allele origin: germline. Affected: yes.
Comment: Not observed in large population cohorts (Lek et al., 2016); In silico analysis, which includes protein predictors and evolutionary conservation, supports a deleterious effect; Has not been previously published as pathogenic or benign to our knowledge

NM_001182.5(ALDH7A1):c.616G>A (p.Ala206Thr)

Gene: ALDH7A1 (aldehyde dehydrogenase 7 family member A1; minus strand). Cytogenetic location: 5q23.2.
Variant type: single nucleotide variant.
Coding change: c.616G>A on transcript NM_001182.5 (MANE Select); coding-DNA position 616, G replaced by A.
Protein change: p.Ala206Thr; replaces alanine 206 with threonine.
Molecular consequence: missense variant.
Genome position (GRCh38, 1-based): chr5:126,577,113, C>T on the plus strand (G>A on the coding strand, the complement: ALDH7A1 is on the minus strand). VCF-style: chr5-126577113-C-T. GRCh37 (hg19) VCF-style: chr5-125912805-C-T.
Other names: c.532G>A, p.Ala178Thr (NM_001201377.2); c.616G>A, p.Ala206Thr (NM_001202404.2); short protein forms A178T, A206T.
Identifiers: ClinVar variation 1310934 (VCV001310934.5), dbSNP rs1751000940, ClinGen allele CA360731048.